The following is an entry in ClinVar:

ClinVar aggregate classification (germline): Uncertain significance. Review status: criteria provided, multiple submitters, no conflicts (2 of 4 stars). 2 submissions from 2 submitters: Uncertain significance (2). Last evaluated 2025-06-12.

Conditions:
Epiphyseal dysplasia, multiple, 3 (EDM3). Also called: COL9A3-Related Multiple Epiphyseal Dysplasia; Epiphyseal dysplasia, multiple, 3, with or without myopathy. Identifiers: MedGen C1832998, MONDO:0010964, OMIM 600969.
Autosomal recessive Stickler syndrome. Identifiers: Orphanet 250984, MedGen C5439212, MONDO:0016647.

Allele frequency attached by ClinVar (database versions not stated): gnomAD 0.00003; TOPMed 0.00004; gnomAD exomes 0.00011; ExAC 0.00018.
gnomAD v4.1: 169 of 1,613,298 alleles (0.01%); highest among the groups gnomAD compares: Non-Finnish European, 0.012%; no homozygotes.

Submissions (2):

Labcorp Genetics (formerly Invitae), Labcorp
Classification: Uncertain significance. Last evaluated: 2025-06-12. Review status: criteria provided, single submitter. Criteria: Invitae Variant Classification Sherloc (09022015). Collection method: clinical testing. Allele origin: germline.
Comment: This sequence change replaces glycine, which is neutral and non-polar, with arginine, which is basic and polar, at codon 551 of the COL9A3 protein (p.Gly551Arg). This variant is present in population databases (rs768544259, gnomAD 0.02%). This variant has not been reported in the literature in individuals affected with COL9A3-related conditions. ClinVar contains an entry for this variant (Variation ID: 1422100). Invitae Evidence Modeling of protein sequence and biophysical properties (such as structural, functional, and spatial information, amino acid conservation, physicochemical variation, residue mobility, and thermodynamic stability) indicates that this missense variant is expected to disrupt COL9A3 protein function with a positive predictive value of 95%. Algorithms developed to predict the effect of sequence changes on RNA splicing suggest that this variant may create or strengthen a splice site. In summary, the available evidence is currently insufficient to determine the role of this variant in disease. Therefore, it has been classified as a Variant of Uncertain Significance.

GeneDx
Classification: Uncertain significance. Last evaluated: 2023-12-21. Review status: criteria provided, single submitter. Criteria: GeneDx Variant Classification Process June 2021. Collection method: clinical testing. Allele origin: germline. Affected: yes.
Comment: Has not been previously published as pathogenic or benign to our knowledge; In silico analysis supports that this missense variant has a deleterious effect on protein structure/function; In silico analysis supports a deleterious effect on splicing

NM_001853.4(COL9A3):c.1651G>A (p.Gly551Arg)

Gene: COL9A3 (collagen type IX alpha 3 chain; plus strand). Cytogenetic location: 20q13.33.
Variant type: single nucleotide variant.
Coding change: c.1651G>A on transcript NM_001853.4 (MANE Select); coding-DNA position 1651, G replaced by A.
Protein change: p.Gly551Arg; replaces glycine 551 with arginine.
Molecular consequence: missense variant.
Genome position (GRCh38, 1-based): chr20:62,837,130, G>A. VCF-style: chr20-62837130-G-A. GRCh37 (hg19) VCF-style: chr20-61468482-G-A.
Other names: c.1651G>A (NM_001853.3); short protein forms G551R.
Identifiers: ClinVar variation 1422100 (VCV001422100.8), dbSNP rs768544259, ClinGen allele CA9950131.